The following is an entry in ClinVar:

NM_000443.4(ABCB4):c.440G>A (p.Arg147Lys)

Gene: ABCB4 (ATP binding cassette subfamily B member 4; minus strand). Cytogenetic location: 7q21.12.
Variant type: single nucleotide variant.
Coding change: c.440G>A on transcript NM_000443.4 (MANE Select); coding-DNA position 440, G replaced by A.
Protein change: p.Arg147Lys; replaces arginine 147 with lysine.
Molecular consequence: missense variant.
Genome position (GRCh38, 1-based): chr7:87,453,040, C>T on the plus strand (G>A on the coding strand, the complement: ABCB4 is on the minus strand). VCF-style: chr7-87453040-C-T. GRCh37 (hg19) VCF-style: chr7-87082356-C-T.
Other names: c.440G>A, p.Arg147Lys (NM_018849.3, NM_018850.3); short protein forms R147K.
Identifiers: ClinVar variation 4846600 (VCV004846600.1).

ClinVar aggregate classification (germline): Uncertain significance (1 of 4 stars; one submission).

Conditions:
Familial intrahepatic cholestasis. Identifiers: Orphanet 284385, MedGen CN296401, MONDO:0017290.
Low phospholipid associated cholelithiasis (GBD1). Also called: Gallbladder disease 1; Gallstone cholecystitis. Identifiers: Orphanet 69663, MedGen C2609268, MONDO:0010939, OMIM 600803.

Submission:

Genomenon, Inc
Classification: Uncertain significance for Familial intrahepatic cholestasis; Low phospholipid associated cholelithiasis. Last evaluated: 2026-04-14. Review status: criteria provided, single submitter. Criteria: Genomenon Sequence Variant Interpretation Standards - Updated. Collection method: curation. Allele origin: germline. Affected: no.
Comment: ABCB4 p.Arg147Lys (c.440G>A) is a missense variant that changes the amino acid at residue 147 from Arginine to Lysine. This variant has been reported in the published literature (PMID:37208429). It is absent or not present at a significant frequency in gnomAD. In silico models predict that this variant is not damaging. In conclusion, we classify ABCB4 p.Arg147Lys (c.440G>A) as a variant of uncertain significance.

Literature cited by the submitters: PubMed 37208429.